The following is an entry in ClinVar:

NM_014014.5(SNRNP200):c.3484+3G>A

Gene: SNRNP200 (small nuclear ribonucleoprotein U5 subunit 200; minus strand). Cytogenetic location: 2q11.2.
Variant type: single nucleotide variant.
Coding change: c.3484+3G>A on transcript NM_014014.5 (MANE Select); 3 bases into the intron after coding-DNA position 3484, G replaced by A.
Molecular consequence: intron variant.
Genome position (GRCh38, 1-based): chr2:96,287,436, C>T on the plus strand (G>A on the coding strand, the complement: SNRNP200 is on the minus strand). VCF-style: chr2-96287436-C-T. GRCh37 (hg19) VCF-style: chr2-96953174-C-T.
Identifiers: ClinVar variation 1519739 (VCV001519739.6), dbSNP rs2063850794, ClinGen allele CA1272537554.

ClinVar aggregate classification (germline): Uncertain significance (1 of 4 stars; one submission).

Allele frequency attached by ClinVar (database versions not stated): gnomAD exomes below 0.00001; TOPMed below 0.00001.
gnomAD v4.1: 1 of 1,597,052 alleles (0.000063%); highest among the groups gnomAD compares: South Asian, 0.0011%; no homozygotes.

Submission:

Labcorp Genetics (formerly Invitae), Labcorp
Classification: Uncertain significance. Last evaluated: 2022-06-09. Review status: criteria provided, single submitter. Criteria: Invitae Variant Classification Sherloc (09022015). Collection method: clinical testing. Allele origin: germline.
Comment: Variants that disrupt the consensus splice site are a relatively common cause of aberrant splicing (PMID: 17576681, 9536098). Algorithms developed to predict the effect of sequence changes on RNA splicing suggest that this variant may disrupt the consensus splice site. In summary, the available evidence is currently insufficient to determine the role of this variant in disease. Therefore, it has been classified as a Variant of Uncertain Significance. This variant has not been reported in the literature in individuals affected with SNRNP200-related conditions. This variant is not present in population databases (gnomAD no frequency). This sequence change falls in intron 26 of the SNRNP200 gene. It does not directly change the encoded amino acid sequence of the SNRNP200 protein. It affects a nucleotide within the consensus splice site.

Literature cited by the submitters: PubMed 17576681; PubMed 9536098.